The following is an entry in ClinVar:

ClinVar aggregate classification (germline): Conflicting classifications of pathogenicity. Review status: criteria provided, conflicting classifications (1 of 4 stars). 3 submissions from 3 submitters: Uncertain significance (1); Likely benign (1). 1 of the submissions does not count toward it. Last evaluated 2025-05-05.

Conditions:
PKD1L1-related disorder. Also called: PKD1L1-related condition.
Inborn genetic diseases. Identifiers: MedGen C0950123, MeSH D030342.

Allele frequency attached by ClinVar (database versions not stated): gnomAD 0.00007 and 0.00008; gnomAD exomes 0.00008 and 0.00041; TOPMed 0.00020; ExAC 0.00038.
gnomAD v4.1: 132 of 1,613,588 alleles (0.0082%); highest among the groups gnomAD compares: Admixed American, 0.2%; no homozygotes.

Submissions (3):

Labcorp Genetics (formerly Invitae), Labcorp
Classification: Likely benign. Last evaluated: 2025-05-05. Review status: criteria provided, single submitter. Criteria: Invitae Variant Classification Sherloc (09022015). Collection method: clinical testing. Allele origin: germline.

Ambry Genetics
Classification: Uncertain significance for Inborn genetic diseases. Last evaluated: 2024-10-20. Review status: criteria provided, single submitter. Criteria: Ambry Variant Classification Scheme 2023. Collection method: clinical testing. Allele origin: germline.

PreventionGenetics, part of Exact Sciences
Classification: Likely benign for PKD1L1-related condition. Last evaluated: 2022-07-08. Review status: no assertion criteria provided. Collection method: clinical testing. Allele origin: germline. Not counted in ClinVar's aggregate classification.
Comment: This variant is classified as likely benign based on ACMG/AMP sequence variant interpretation guidelines (Richards et al. 2015 PMID: 25741868, with internal and published modifications).

NM_138295.5(PKD1L1):c.4739G>A (p.Arg1580Gln)

Gene: PKD1L1 (polycystin 1 like 1, transient receptor potential channel interacting; minus strand). Cytogenetic location: 7p12.3.
Variant type: single nucleotide variant.
Coding change: c.4739G>A on transcript NM_138295.5 (MANE Select); coding-DNA position 4739, G replaced by A.
Protein change: p.Arg1580Gln; replaces arginine 1580 with glutamine.
Molecular consequence: missense variant.
Genome position (GRCh38, 1-based): chr7:47,855,002, C>T on the plus strand (G>A on the coding strand, the complement: PKD1L1 is on the minus strand). VCF-style: chr7-47855002-C-T. GRCh37 (hg19) VCF-style: chr7-47894600-C-T.
Other names: short protein forms R1580Q.
Identifiers: ClinVar variation 750994 (VCV000750994.10), dbSNP rs750052718, ClinGen allele CA4253035.
Genomic context (GRCh38, chr7:47,855,002, plus strand): 5'-TGTAGAGATTCCTGGGGGTTTTCGGAAAGCTCAGTGAACTGATGGAGATTCACTTTATCC[C>T]GAAGTAATACAAATGTCGTTTTATTTCTCCTATTATCCTGTCATCACAAAGAAAACAAGT-3'
Protein context (NP_612152.1, residues 1570-1590): RRNKTTFVLL[Arg1580Gln]DKVNLHQFTE